The following is an entry in ClinVar:

NM_002470.4(MYH3):c.5475T>G (p.Phe1825Leu)

Gene: MYH3 (myosin heavy chain 3; minus strand). Cytogenetic location: 17p13.1.
Variant type: single nucleotide variant.
Coding change: c.5475T>G on transcript NM_002470.4 (MANE Select); coding-DNA position 5475, T replaced by G.
Protein change: p.Phe1825Leu; replaces phenylalanine 1825 with leucine.
Molecular consequence: missense variant.
Genome position (GRCh38, 1-based): chr17:10,630,179, A>C on the plus strand (T>G on the coding strand, the complement: MYH3 is on the minus strand). VCF-style: chr17-10630179-A-C. GRCh37 (hg19) VCF-style: chr17-10533496-A-C.
Other names: c.5475T>G (NM_002470.3); short protein forms F1825L.
Identifiers: ClinVar variation 1929278 (VCV001929278.6), dbSNP rs759777988, ClinGen allele CA8391910.

ClinVar aggregate classification (germline): Uncertain significance. Review status: criteria provided, multiple submitters, no conflicts (2 of 4 stars). 2 submissions from 2 submitters: Uncertain significance (2). Last evaluated 2025-08-14.

Conditions:
Inborn genetic diseases. Identifiers: MedGen C0950123, MeSH D030342.

Allele frequency attached by ClinVar (database versions not stated): TOPMed below 0.00001; ExAC 0.00001.
gnomAD v4.1: 3 of 1,614,076 alleles (0.00019%); highest among the groups gnomAD compares: African/African-American, 0.0013%; no homozygotes.

Submissions (2):

Ambry Genetics
Classification: Uncertain significance for Inborn genetic diseases. Last evaluated: 2025-08-14. Review status: criteria provided, single submitter. Criteria: Ambry Variant Classification Scheme 2023. Collection method: clinical testing. Allele origin: germline.

Labcorp Genetics (formerly Invitae), Labcorp
Classification: Uncertain significance. Last evaluated: 2022-03-13. Review status: criteria provided, single submitter. Criteria: Invitae Variant Classification Sherloc (09022015). Collection method: clinical testing. Allele origin: germline.
Comment: In summary, the available evidence is currently insufficient to determine the role of this variant in disease. Therefore, it has been classified as a Variant of Uncertain Significance. Algorithms developed to predict the effect of missense changes on protein structure and function output the following: SIFT: "Tolerated"; PolyPhen-2: "Benign"; Align-GVGD: "Class C0". The leucine amino acid residue is found in multiple mammalian species, which suggests that this missense change does not adversely affect protein function. This variant has not been reported in the literature in individuals affected with MYH3-related conditions. This variant is present in population databases (rs759777988, gnomAD 0.003%). This sequence change replaces phenylalanine, which is neutral and non-polar, with leucine, which is neutral and non-polar, at codon 1825 of the MYH3 protein (p.Phe1825Leu).